The following is an entry in ClinVar:

ClinVar aggregate classification (germline): Pathogenic (1 of 4 stars; one submission).

Submission:

Labcorp Genetics (formerly Invitae), Labcorp
Classification: Pathogenic. Last evaluated: 2022-06-15. Review status: criteria provided, single submitter. Criteria: Invitae Variant Classification Sherloc (09022015). Collection method: clinical testing. Allele origin: germline.
Comment: This sequence change creates a premature translational stop signal (p.Ala183Profs*88) in the FOXL2 gene. While this is not anticipated to result in nonsense mediated decay, it is expected to disrupt the last 194 amino acid(s) of the FOXL2 protein. This variant is not present in population databases (gnomAD no frequency). This variant has not been reported in the literature in individuals affected with FOXL2-related conditions. This variant disrupts a region of the FOXL2 protein in which other variant(s) (p.Pro307Hisfs*52) have been determined to be pathogenic (PMID: 11468277). This suggests that this is a clinically significant region of the protein, and that variants that disrupt it are likely to be disease-causing. For these reasons, this variant has been classified as Pathogenic.

Literature cited by the submitters: PubMed 11468277.

NM_023067.4(FOXL2):c.547del (p.Ala183fs)

Gene: FOXL2 (forkhead box L2; minus strand). Cytogenetic location: 3q22.3.
Variant type: Deletion.
Coding change: c.547del on transcript NM_023067.4 (MANE Select); coding-DNA position 547, one base deleted (G; older notation c.547delG).
Protein change: p.Ala183fs; shifts the reading frame from alanine 183.
Molecular consequence: frameshift variant.
Genome position (GRCh38, 1-based): chr3:138,946,176, C deleted on the plus strand (G on the coding strand, the reverse complement: FOXL2 is on the minus strand); the first of 4 consecutive C bases (chr3:138,946,176-138,946,179); deleting any one gives the same sequence. VCF-style (leftmost placement, unchanged base first): chr3-138946175-GC-G. GRCh37 (hg19) VCF-style: chr3-138665017-GC-G.
Other names: short protein forms A183fs.
Identifiers: ClinVar variation 2006944 (VCV002006944.4), dbSNP rs1462109887, ClinGen allele CA546892568.
Genomic context (GRCh38, chr3:138,946,175, plus strand): 5'-GAGTTGTTGAGGAAGCCAGACTGCAGGTACTTGGGGGGCGCCAGGTAGCCGTAGCCGTCG[GC>G]CCCGGCGCCCGCCACGCCGCACCCGCCTGCGGCGCCTCCGGCCCCGAAGAGCCCCTTGCC-3'